The following is an entry in ClinVar:

NM_014516.4(CNOT3):c.241C>A (p.Arg81Ser)

Gene: CNOT3 (CCR4-NOT transcription complex subunit 3; plus strand). Cytogenetic location: 19q13.42.
Variant type: single nucleotide variant.
Coding change: c.241C>A on transcript NM_014516.4 (MANE Select); coding-DNA position 241, C replaced by A.
Protein change: p.Arg81Ser; replaces arginine 81 with serine.
Molecular consequence: missense variant.
Genome position (GRCh38, 1-based): chr19:54,143,732, C>A. VCF-style: chr19-54143732-C-A. GRCh37 (hg19) VCF-style: chr19-54647468-C-A.
Other names: short protein forms R81S.
Identifiers: ClinVar variation 1713134 (VCV001713134.3), dbSNP rs2517294280, ClinGen allele CA407759010.

ClinVar aggregate classification (germline): Likely pathogenic. Review status: criteria provided, multiple submitters, no conflicts (2 of 4 stars). 2 submissions from 2 submitters: Likely pathogenic (2). Last evaluated 2022-10-24.

Conditions:
Intellectual developmental disorder with speech delay, autism, and dysmorphic facies. Identifiers: MedGen C5231456, MONDO:0032864, OMIM 618672.

Submissions (2):

Baylor Genetics
Classification: Likely pathogenic for Intellectual developmental disorder with speech delay, autism, and dysmorphic facies. Last evaluated: 2022-10-24. Review status: criteria provided, single submitter. Criteria: ACMG Guidelines, 2015. Collection method: clinical testing. Allele origin: unknown.

Wangler Lab, Baylor College of Medicine
Classification: Likely pathogenic for Intellectual developmental disorder with speech delay, autism, and dysmorphic facies. Review status: criteria provided, single submitter. Criteria: ACMG Guidelines, 2015. Collection method: clinical testing. Allele origin: de novo. Inheritance: Autosomal dominant inheritance. Affected: yes. Observed: 1 heterozygote.
Comment: This CNOT3 missense variant at c.241C>A (p.R81S) was seen on exome through the Texome project (R01HG011795). It has not been observed in gnomAD (PM2). This variant is predicted to be deleterious by multiple computational models (CADD: 31.000)(PP3), and the evolutionary conservation of this residue is high. We believe this variant is likely pathogenic.